The following is an entry in ClinVar:

ClinVar aggregate classification (germline): Uncertain significance. Review status: criteria provided, multiple submitters, no conflicts (2 of 4 stars). 2 submissions from 2 submitters: Uncertain significance (2). Last evaluated 2024-08-16.

Conditions:
Cardiovascular phenotype. Identifiers: MedGen CN230736.

Allele frequency attached by ClinVar (database versions not stated): gnomAD exomes 0.00001.
gnomAD v4.1: 3 of 1,614,244 alleles (0.00019%); highest among the groups gnomAD compares: Non-Finnish European, 0.00025%; no homozygotes.

Submissions (2):

Blueprint Genetics
Classification: Uncertain significance. Last evaluated: 2024-08-16. Review status: criteria provided, single submitter. Criteria: ACMG Guidelines, 2015. Collection method: clinical testing. Allele origin: germline.

Ambry Genetics
Classification: Uncertain significance for Cardiovascular phenotype. Last evaluated: 2022-10-23. Review status: criteria provided, single submitter. Criteria: Ambry Variant Classification Scheme 2023. Collection method: clinical testing. Allele origin: germline.
Comment: The p.K1106T variant (also known as c.3317A>C), located in coding exon 29 of the ANK2 gene, results from an A to C substitution at nucleotide position 3317. The lysine at codon 1106 is replaced by threonine, an amino acid with similar properties. This amino acid position is conserved. In addition, this alteration is predicted to be deleterious by in silico analysis. Since supporting evidence is limited at this time, the clinical significance of this alteration remains unclear.

NM_001148.6(ANK2):c.3317A>C (p.Lys1106Thr)

Gene: ANK2 (ankyrin 2; plus strand). Cytogenetic location: 4q26.
Variant type: single nucleotide variant.
Coding change: c.3317A>C on transcript NM_001148.6 (MANE Select); coding-DNA position 3317, A replaced by C.
Protein change: p.Lys1106Thr; replaces lysine 1106 with threonine.
Molecular consequence: missense variant.
Genome position (GRCh38, 1-based): chr4:113,333,146, A>C. VCF-style: chr4-113333146-A-C. GRCh37 (hg19) VCF-style: chr4-114254302-A-C.
Other names: c.3290A>C, p.Lys1097Thr (NM_001127493.3); c.3329A>C, p.Lys1110Thr (NM_001354225.2); c.3218A>C, p.Lys1073Thr (NM_001354228.2, NM_001354258.2); c.3296A>C, p.Lys1099Thr (NM_001354230.2); c.3359A>C, p.Lys1120Thr (NM_001354231.2, NM_001354242.2); c.3353A>C, p.Lys1118Thr (NM_001354232.2); c.3314A>C, p.Lys1105Thr (NM_001354235.2, NM_001354246.2, NM_001354265.2); c.3215A>C, p.Lys1072Thr (NM_001354236.2); and 28 more; short protein forms K1044T, K1072T, K1089T, K1105T, K1106T, K1125T, K1132T, K1145T.
Identifiers: ClinVar variation 1730142 (VCV001730142.3), dbSNP rs2153942912, ClinGen allele CA357936209.